The following is an entry in ClinVar:

NM_001012339.3(DNAJC21):c.1310T>A (p.Val437Asp)

Gene: DNAJC21 (DnaJ heat shock protein family (Hsp40) member C21; plus strand). Cytogenetic location: 5p13.2.
Variant type: single nucleotide variant.
Coding change: c.1310T>A on transcript NM_001012339.3 (MANE Select); coding-DNA position 1310, T replaced by A.
Protein change: p.Val437Asp; replaces valine 437 with aspartic acid.
Molecular consequence: missense variant.
Genome position (GRCh38, 1-based): chr5:34,950,294, T>A. VCF-style: chr5-34950294-T-A. GRCh37 (hg19) VCF-style: chr5-34950399-T-A.
Other names: c.1349T>A, p.Val450Asp (NM_001348420.2); c.1445T>A, p.Val482Asp (NM_194283.4); short protein forms V437D, V450D, V482D.
Identifiers: ClinVar variation 1426243 (VCV001426243.6), dbSNP rs1765320116, ClinGen allele CA359423061.

ClinVar aggregate classification (germline): Uncertain significance (1 of 4 stars; one submission).

Allele frequency attached by ClinVar (database versions not stated): gnomAD exomes below 0.00001; gnomAD 0.00001.
gnomAD v4.1: 2 of 1,613,570 alleles (0.00012%); highest among the groups gnomAD compares: Middle Eastern, 0.016%; no homozygotes.

Submission:

Labcorp Genetics (formerly Invitae), Labcorp
Classification: Uncertain significance. Last evaluated: 2021-11-15. Review status: criteria provided, single submitter. Criteria: Invitae Variant Classification Sherloc (09022015). Collection method: clinical testing. Allele origin: germline.
Comment: In summary, the available evidence is currently insufficient to determine the role of this variant in disease. Therefore, it has been classified as a Variant of Uncertain Significance. Algorithms developed to predict the effect of missense changes on protein structure and function output the following: SIFT: "Tolerated"; PolyPhen-2: "Benign"; Align-GVGD: "Class C0". The aspartic acid amino acid residue is found in multiple mammalian species, which suggests that this missense change does not adversely affect protein function. This variant has not been reported in the literature in individuals affected with DNAJC21-related conditions. This variant is not present in population databases (gnomAD no frequency). This sequence change replaces valine, which is neutral and non-polar, with aspartic acid, which is acidic and polar, at codon 437 of the DNAJC21 protein (p.Val437Asp).